The following is an entry in ClinVar:

NM_181882.3(PRX):c.4349C>T (p.Pro1450Leu)

Gene: PRX (periaxin; minus strand). Cytogenetic location: 19q13.2.
Variant type: single nucleotide variant.
Coding change: c.4349C>T on transcript NM_181882.3 (MANE Select); coding-DNA position 4349, C replaced by T.
Protein change: p.Pro1450Leu; replaces proline 1450 with leucine.
Molecular consequence: missense variant. On other transcripts: 3 prime UTR variant (1).
Genome position (GRCh38, 1-based): chr19:40,394,003, G>A on the plus strand (C>T on the coding strand, the complement: PRX is on the minus strand). VCF-style: chr19-40394003-G-A. GRCh37 (hg19) VCF-style: chr19-40899910-G-A.
Other names: c.*4554C>T (NM_020956.2); short protein forms P1450L.
Identifiers: ClinVar variation 656483 (VCV000656483.40), dbSNP rs369949312, ClinGen allele CA9443629.

ClinVar aggregate classification (germline): Uncertain significance. Review status: criteria provided, multiple submitters, no conflicts (2 of 4 stars). 4 submissions from 4 submitters: Uncertain significance (4). Last evaluated 2026-06-15.

Conditions:
Charcot-Marie-Tooth disease type 4. Also called: Charcot-Marie-Tooth, Type 4; Charcot-Marie-Tooth disease, type IV. Identifiers: Orphanet 64749, MedGen C4082197, MONDO:0018995.
PRX-related disorder. Also called: PRX-related condition; PRX-Related Disorders.
Inborn genetic diseases. Identifiers: MedGen C0950123, MeSH D030342.

Allele frequency attached by ClinVar (database versions not stated): ESP Exome Variant Server 0.00015; gnomAD exomes 0.00004; TOPMed 0.00005; ExAC 0.00006.
gnomAD v4.1: 39 of 1,613,274 alleles (0.0024%); highest among the groups gnomAD compares: Admixed American, 0.0033%; no homozygotes.

Submissions (4):

PreventionGenetics, part of Exact Sciences
Classification: Uncertain significance for PRX-related condition. Last evaluated: 2026-06-15. Review status: criteria provided, single submitter. Criteria: ACMG Guidelines, 2015. Collection method: clinical testing. Allele origin: germline.
Comment: The PRX c.4349C>T variant is predicted to result in the amino acid substitution p.Pro1450Leu. To our knowledge, this variant has not been reported in the literature. This variant is reported in 0.0065% of alleles in individuals of South Asian descent in gnomAD. At this time, the clinical significance of this variant is uncertain due to the absence of conclusive functional and genetic evidence.

Ambry Genetics
Classification: Uncertain significance for Inborn genetic diseases. Last evaluated: 2025-08-14. Review status: criteria provided, single submitter. Criteria: Ambry Variant Classification Scheme 2023. Collection method: clinical testing. Allele origin: germline.

Labcorp Genetics (formerly Invitae), Labcorp
Classification: Uncertain significance for Charcot-Marie-Tooth disease type 4. Last evaluated: 2022-08-07. Review status: criteria provided, single submitter. Criteria: Invitae Variant Classification Sherloc (09022015). Collection method: clinical testing. Allele origin: germline.
Comment: This sequence change replaces proline, which is neutral and non-polar, with leucine, which is neutral and non-polar, at codon 1450 of the PRX protein (p.Pro1450Leu). This variant is present in population databases (rs369949312, gnomAD 0.007%). This variant has not been reported in the literature in individuals affected with PRX-related conditions. ClinVar contains an entry for this variant (Variation ID: 656483). Algorithms developed to predict the effect of missense changes on protein structure and function are either unavailable or do not agree on the potential impact of this missense change (SIFT: "Tolerated"; PolyPhen-2: "Possibly Damaging"; Align-GVGD: "Class C0"). In summary, the available evidence is currently insufficient to determine the role of this variant in disease. Therefore, it has been classified as a Variant of Uncertain Significance.

CeGaT Center for Human Genetics Tuebingen
Classification: Uncertain significance. Last evaluated: 2020-06-01. Review status: criteria provided, single submitter. Criteria: CeGaT Center For Human Genetics Tuebingen Variant Classification Criteria Version 2. Collection method: clinical testing. Allele origin: germline. Affected: yes. Observed: 1 variant allele.